The following is an entry in ClinVar:

NM_004484.4(GPC3):c.1718T>C (p.Val573Ala)

Gene: GPC3 (glypican 3; minus strand). Cytogenetic location: Xq26.2.
Variant type: single nucleotide variant.
Coding change: c.1718T>C on transcript NM_004484.4 (MANE Select); coding-DNA position 1718, T replaced by C.
Protein change: p.Val573Ala; replaces valine 573 with alanine.
Molecular consequence: missense variant.
Genome position (GRCh38, 1-based): chrX:133,536,149, A>G on the plus strand (T>C on the coding strand, the complement: GPC3 is on the minus strand). VCF-style: chrX-133536149-A-G. GRCh37 (hg19) VCF-style: chrX-132670177-A-G.
Other names: c.1787T>C, p.Val596Ala (NM_001164617.2); c.1670T>C, p.Val557Ala (NM_001164618.2); c.1556T>C, p.Val519Ala (NM_001164619.2); short protein forms V573A, V596A, V519A, V557A.
Identifiers: ClinVar variation 665538 (VCV000665538.11), dbSNP rs1603139289, ClinGen allele CA414702415.
Genomic context (GRCh38, chrX:133,536,149, plus strand): 5'-GCTGTAGGGCAGCACATGTGCTGGGCACCAGGCAGTCAGTGCACCAGGAAGAAGAAGCAC[A>G]CCACCGAGATGGCCATGCTGGTGAGAAGCTTCAGCGGGGAATGAACGTTCCCGAGGTTGT-3'
Protein context (NP_004475.1, residues 563-580): KLLTSMAISV[Val573Ala]CFFFLVH

ClinVar aggregate classification (germline): Uncertain significance (1 of 4 stars; one submission).

Conditions:
Wilms tumor 1 (WT1). Also called: Wilms tumor, somatic. Identifiers: Orphanet 654, MedGen CN033288, MONDO:0008679, OMIM 194070.

Submission:

Labcorp Genetics (formerly Invitae), Labcorp
Classification: Uncertain significance for Wilms tumor 1. Last evaluated: 2024-04-15. Review status: criteria provided, single submitter. Criteria: Invitae Variant Classification Sherloc (09022015). Collection method: clinical testing. Allele origin: germline.
Comment: This sequence change replaces valine, which is neutral and non-polar, with alanine, which is neutral and non-polar, at codon 573 of the GPC3 protein (p.Val573Ala). This variant is not present in population databases (gnomAD no frequency). This variant has not been reported in the literature in individuals affected with GPC3-related conditions. ClinVar contains an entry for this variant (Variation ID: 665538). Algorithms developed to predict the effect of missense changes on protein structure and function output the following: SIFT: "Not Available"; PolyPhen-2: "Benign"; Align-GVGD: "Not Available". The alanine amino acid residue is found in multiple mammalian species, which suggests that this missense change does not adversely affect protein function. In summary, the available evidence is currently insufficient to determine the role of this variant in disease. Therefore, it has been classified as a Variant of Uncertain Significance.